The following is an entry in ClinVar:

NM_015557.3(CHD5):c.4945G>T (p.Asp1649Tyr)

Gene: CHD5 (chromodomain helicase DNA binding protein 5; minus strand). Cytogenetic location: 1p36.31.
Variant type: single nucleotide variant.
Coding change: c.4945G>T on transcript NM_015557.3 (MANE Select); coding-DNA position 4945, G replaced by T.
Protein change: p.Asp1649Tyr; replaces aspartic acid 1649 with tyrosine.
Molecular consequence: missense variant.
Genome position (GRCh38, 1-based): chr1:6,112,966, C>A on the plus strand (G>T on the coding strand, the complement: CHD5 is on the minus strand). VCF-style: chr1-6112966-C-A. GRCh37 (hg19) VCF-style: chr1-6173026-C-A.
Other names: short protein forms D1649Y.
Identifiers: ClinVar variation 4689698 (VCV004689698.1).
Genomic context (GRCh38, chr1:6,112,966, plus strand): 5'-GACCTGGCCTGAGTTCGGAACTGTCCCCTCTGCTGTGGATCAAGCTCAGCTCCAGCTTGT[C>A]CAGGATCTTCTCCTTCTCAGGAAGCACCTCCTCTGCAAGAAAAAGAGGGTTCGCGGCATG-3'
Protein context (NP_056372.1, residues 1639-1659): EVLPEKEKIL[Asp1649Tyr]KLELSLIHSR

ClinVar aggregate classification (germline): Uncertain significance (1 of 4 stars; one submission).

Submission:

Women's Health and Genetics/Laboratory Corporation of America, LabCorp
Classification: Uncertain significance. Last evaluated: 2026-01-02. Review status: criteria provided, single submitter. Criteria: LabCorp Variant Classification Summary - May 2015. Collection method: clinical testing. Allele origin: germline.
Comment: Variant summary: CHD5 c.4945G>T (p.Asp1649Tyr) results in a non-conservative amino acid change in the encoded protein sequence. Algorithms developed to predict the effect of missense changes on protein structure and function are either unavailable or do not agree on the potential impact of this missense change. The variant was absent in 251432 control chromosomes. The available data on variant occurrences in the general population are insufficient to allow any conclusion about variant significance. To our knowledge, no occurrence of c.4945G>T in individuals affected with CHD5-related conditions and no experimental evidence demonstrating its impact on protein function have been reported. No submitters have cited clinical-significance assessments for this variant to ClinVar. Based on the evidence outlined above, the variant was classified as uncertain significance.